The following is an entry in ClinVar:

NM_001211.6(BUB1B):c.893C>T (p.Pro298Leu)

Gene: BUB1B (BUB1 mitotic checkpoint serine/threonine kinase B; plus strand). Cytogenetic location: 15q15.1.
Variant type: single nucleotide variant.
Coding change: c.893C>T on transcript NM_001211.6 (MANE Select); coding-DNA position 893, C replaced by T.
Protein change: p.Pro298Leu; replaces proline 298 with leucine.
Molecular consequence: missense variant.
Genome position (GRCh38, 1-based): chr15:40,185,306, C>T. VCF-style: chr15-40185306-C-T. GRCh37 (hg19) VCF-style: chr15-40477507-C-T.
Other names: short protein forms P298L.
Identifiers: ClinVar variation 1765184 (VCV001765184.2), dbSNP rs986620736, ClinGen allele CA268783631.

ClinVar aggregate classification (germline): Uncertain significance (1 of 4 stars; one submission).

Conditions:
Inborn genetic diseases. Identifiers: MedGen C0950123, MeSH D030342.

Allele frequency attached by ClinVar (database versions not stated): gnomAD exomes below 0.00001.
gnomAD v4.1: 1 of 1,614,076 alleles (0.000062%); highest among the groups gnomAD compares: Non-Finnish European, 0.000085%; no homozygotes.

Submission:

Ambry Genetics
Classification: Uncertain significance for Inborn genetic diseases. Last evaluated: 2022-05-24. Review status: criteria provided, single submitter. Criteria: Ambry Variant Classification Scheme 2023. Collection method: clinical testing. Allele origin: germline.
Comment: The p.P298L variant (also known as c.893C>T), located in coding exon 7 of the BUB1B gene, results from a C to T substitution at nucleotide position 893. The proline at codon 298 is replaced by leucine, an amino acid with similar properties. This amino acid position is conserved. In addition, this alteration is predicted to be tolerated by in silico analysis. Since supporting evidence is limited at this time, the clinical significance of this alteration remains unclear.